The following is an entry in ClinVar:

NM_000064.4(C3):c.48C>A (p.His16Gln)

Gene: C3 (complement C3; minus strand). Cytogenetic location: 19p13.3.
Variant type: single nucleotide variant.
Coding change: c.48C>A on transcript NM_000064.4 (MANE Select); coding-DNA position 48, C replaced by A.
Protein change: p.His16Gln; replaces histidine 16 with glutamine.
Molecular consequence: missense variant.
Genome position (GRCh38, 1-based): chr19:6,720,542, G>T on the plus strand (C>A on the coding strand, the complement: C3 is on the minus strand). VCF-style: chr19-6720542-G-T. GRCh37 (hg19) VCF-style: chr19-6720553-G-T.
Other names: short protein forms H16Q.
Identifiers: ClinVar variation 893206 (VCV000893206.7), dbSNP rs184455094, ClinGen allele CA9129922.
Genomic context (GRCh38, chr19:6,720,542, plus strand): 5'-AGCCCTGTTTGTGGGTAGAGTCATAACCACTCACATGGGACTCCCCAGAGCCAGGGGGAG[G>T]TGGGTTAGTAGCAGGAGCAGCAGGCTGGGACCTGAGGTGGGTCCCATGGTGCTGGGACAG-3'
Protein context (NP_000055.2, residues 6-26): GPSLLLLLLT[His16Gln]LPLALGSPMY

ClinVar aggregate classification (germline): Conflicting classifications of pathogenicity. Review status: criteria provided, conflicting classifications (1 of 4 stars). 4 submissions from 2 submitters: Uncertain significance (3); Benign (1). Last evaluated 2023-02-14.

Conditions:
Atypical hemolytic-uremic syndrome with C3 anomaly. Also called: AHUS, SUSCEPTIBILITY TO, 5. Identifiers: Orphanet 2134, MedGen C2752037, MONDO:0013043, OMIM 612925.
Complement component 3 deficiency. Identifiers: Orphanet 280133, MedGen C3151071, MONDO:0013417, OMIM 613779.
Age related macular degeneration 9. Identifiers: MedGen C1969651, MONDO:0012659, OMIM 611378.

Allele frequency attached by ClinVar (database versions not stated): gnomAD 0.00003 and 0.00005; TOPMed 0.00003; gnomAD exomes 0.00005 and 0.00008; ExAC 0.00015; 1000 Genomes Project 30x 0.00031; 1000 Genomes Project 0.00040.
gnomAD v4.1: 118 of 1,594,694 alleles (0.0074%); highest among the groups gnomAD compares: East Asian, 0.26%; no homozygotes.

Submissions (4):

Labcorp Genetics (formerly Invitae), Labcorp
Classification: Uncertain significance. Last evaluated: 2023-02-14. Review status: criteria provided, single submitter. Criteria: Invitae Variant Classification Sherloc (09022015). Collection method: clinical testing. Allele origin: germline.
Comment: In summary, the available evidence is currently insufficient to determine the role of this variant in disease. Therefore, it has been classified as a Variant of Uncertain Significance. Experimental studies and prediction algorithms are not available or were not evaluated, and the functional significance of this variant is currently unknown. ClinVar contains an entry for this variant (Variation ID: 893206). This variant has not been reported in the literature in individuals affected with C3-related conditions. This variant is present in population databases (rs184455094, gnomAD 0.06%). This sequence change replaces histidine, which is basic and polar, with glutamine, which is neutral and polar, at codon 16 of the C3 protein (p.His16Gln).

Illumina Laboratory Services, Illumina
Classification: Benign for Atypical hemolytic-uremic syndrome with C3 anomaly. Last evaluated: 2018-01-13. Review status: criteria provided, single submitter. Criteria: ICSL Variant Classification Criteria 13 December 2019. Collection method: clinical testing. Allele origin: germline.
Comment: This variant was observed in the ICSL laboratory as part of a predisposition screen in an ostensibly healthy population. It had not been previously curated by ICSL or reported in the Human Gene Mutation Database (HGMD: prior to June 1st, 2018), and was therefore a candidate for classification through an automated scoring system. Utilizing variant allele frequency, disease prevalence and penetrance estimates, and inheritance mode, an automated score was calculated to assess if this variant is too frequent to cause the disease. Based on the score and internal cut-off values, a variant classified as benign is not then subjected to further curation. The score for this variant resulted in a classification of benign for this disease.

Illumina Laboratory Services, Illumina
Classification: Uncertain significance for Age related macular degeneration 9. Last evaluated: 2018-01-13. Review status: criteria provided, single submitter. Criteria: ICSL Variant Classification Criteria 13 December 2019. Collection method: clinical testing. Allele origin: germline.

Illumina Laboratory Services, Illumina
Classification: Uncertain significance for Complement component 3 deficiency. Last evaluated: 2018-01-13. Review status: criteria provided, single submitter. Criteria: ICSL Variant Classification Criteria 13 December 2019. Collection method: clinical testing. Allele origin: germline.